The following is an entry in ClinVar:

NM_004076.5(CRYBB3):c.471-6C>T

Gene: CRYBB3 (crystallin beta B3; plus strand). Cytogenetic location: 22q11.23.
Variant type: single nucleotide variant.
Coding change: c.471-6C>T on transcript NM_004076.5 (MANE Select); 6 bases into the intron before coding-DNA position 471, C replaced by T.
Molecular consequence: intron variant.
Genome position (GRCh38, 1-based): chr22:25,207,041, C>T. VCF-style: chr22-25207041-C-T. GRCh37 (hg19) VCF-style: chr22-25603008-C-T.
Identifiers: ClinVar variation 259230 (VCV000259230.15), dbSNP rs13055430, ClinGen allele CA10157818.

ClinVar aggregate classification (germline): Benign/Likely benign. Review status: criteria provided, multiple submitters, no conflicts (2 of 4 stars). 4 submissions from 4 submitters: Benign (3); Likely benign (1). Last evaluated 2026-01-28.

Conditions:
Cataract 22 multiple types. Also called: CATARACT 22, NUCLEAR, AUTOSOMAL RECESSIVE; CATARACT 22, MULTIPLE TYPES, AUTOSOMAL DOMINANT; Cataract 22. Identifiers: Orphanet 91492, MedGen C1857853, MONDO:0012336, OMIM 609741.

Allele frequency attached by ClinVar (database versions not stated): 1000 Genomes Project 30x 0.05231; 1000 Genomes Project 0.05471; TOPMed 0.05577; gnomAD 0.06273 and 0.06551; ESP Exome Variant Server 0.06612; gnomAD exomes 0.07977 and 0.08417; ExAC 0.08199.
gnomAD v4.1: 132,737 of 1,610,468 alleles (8.2%); highest among the groups gnomAD compares: South Asian, 14%; 6,212 homozygotes.

Submissions (4):

Labcorp Genetics (formerly Invitae), Labcorp
Classification: Benign for Cataract 22 multiple types. Last evaluated: 2026-01-28. Review status: criteria provided, single submitter. Criteria: Invitae Variant Classification Sherloc (09022015). Collection method: clinical testing. Allele origin: germline.

GeneDx
Classification: Benign. Last evaluated: 2018-03-24. Review status: criteria provided, single submitter. Criteria: GeneDx Variant Classification (06012015). Collection method: clinical testing. Allele origin: germline. Affected: yes.
Comment: This variant is considered likely benign or benign based on one or more of the following criteria: it is a conservative change, it occurs at a poorly conserved position in the protein, it is predicted to be benign by multiple in silico algorithms, and/or has population frequency not consistent with disease.

Breakthrough Genomics
Classification: Likely benign. Review status: criteria provided, single submitter. Criteria: ACMG Guidelines, 2015. Collection method: not provided. Allele origin: germline. Inheritance: Autosomal dominant inheritance. Affected: yes.

PreventionGenetics, part of Exact Sciences
Classification: Benign. Review status: criteria provided, single submitter. Criteria: ACMG Guidelines, 2015. Collection method: clinical testing. Allele origin: germline.